The following is an entry in ClinVar:

NM_001242896.3(DEPDC5):c.2516G>A (p.Gly839Asp)

Gene: DEPDC5 (DEP domain containing 5, GATOR1 subcomplex subunit; plus strand). Cytogenetic location: 22q12.3.
Variant type: single nucleotide variant.
Coding change: c.2516G>A on transcript NM_001242896.3 (MANE Select); coding-DNA position 2516, G replaced by A.
Protein change: p.Gly839Asp; replaces glycine 839 with aspartic acid.
Molecular consequence: missense variant. On other transcripts: non-coding transcript variant (5).
Genome position (GRCh38, 1-based): chr22:31,843,095, G>A. VCF-style: chr22-31843095-G-A. GRCh37 (hg19) VCF-style: chr22-32239081-G-A.
Other names: c.2489G>A, p.Gly830Asp (NM_001136029.4, NM_001369903.1, NM_014662.6); c.2282G>A, p.Gly761Asp (NM_001242897.2, NM_001363854.2, NM_001364319.2); c.2516G>A, p.Gly839Asp (NM_001363852.2, NM_001364318.2, NM_001364320.2); c.2432G>A, p.Gly811Asp (NM_001369901.1, NM_001369902.1); short protein forms G761D, G811D, G830D, G839D.
Identifiers: ClinVar variation 4537187 (VCV004537187.1).

ClinVar aggregate classification (germline): Uncertain significance (1 of 4 stars; one submission).

gnomAD v4.1: 4 of 1,610,580 alleles (0.00025%); highest among the groups gnomAD compares: Non-Finnish European, 0.00034%; no homozygotes.

Submission:

Women's Health and Genetics/Laboratory Corporation of America, LabCorp
Classification: Uncertain significance. Last evaluated: 2025-11-25. Review status: criteria provided, single submitter. Criteria: LabCorp Variant Classification Summary - May 2015. Collection method: clinical testing. Allele origin: germline.
Comment: Variant summary: DEPDC5 c.2516G>A (p.Gly839Asp) results in a non-conservative amino acid change in the encoded protein sequence. Algorithms developed to predict the effect of missense changes on protein structure and function are either unavailable or do not agree on the potential impact of this missense change. Consensus agreement among computation tools predict no significant impact on normal splicing. However, these predictions have yet to be confirmed by functional studies. The variant was absent in 246948 control chromosomes. The available data on variant occurrences in the general population are insufficient to allow any conclusion about variant significance. To our knowledge, no occurrence of c.2516G>A in individuals affected with DEPDC5-related conditions and no experimental evidence demonstrating its impact on protein function have been reported. No submitters have cited clinical-significance assessments for this variant to ClinVar. Based on the evidence outlined above, the variant was classified as uncertain significance.